The following is an entry in ClinVar:

NM_001267550.2(TTN):c.101280C>T (p.Phe33760=)

Genes: TTN (titin; minus strand), TTN-AS1 (TTN antisense RNA 1; plus strand). Cytogenetic location: 2q31.2.
Variant type: single nucleotide variant.
Coding change: c.101280C>T on transcript NM_001267550.2 (MANE Select); coding-DNA position 101280, C replaced by T.
Protein change: p.Phe33760=; no amino-acid change (phenylalanine 33760 retained).
Molecular consequence: synonymous variant.
Genome position (GRCh38, 1-based): chr2:178,535,335, G>A on the plus strand (C>T on the coding strand, the complement: TTN is on the minus strand). VCF-style: chr2-178535335-G-A. GRCh37 (hg19) VCF-style: chr2-179400062-G-A.
Other names: c.96357C>T, p.Phe32119= (NM_001256850.1); c.74085C>T, p.Phe24695= (NM_003319.4); c.93576C>T, p.Phe31192= (NM_133378.4); c.74460C>T, p.Phe24820= (NM_133432.3); c.74661C>T, p.Phe24887= (NM_133437.4).
Identifiers: ClinVar variation 191824 (VCV000191824.1), dbSNP rs786205364, ClinGen allele CA237638.

ClinVar aggregate classification (germline): Uncertain significance (1 of 4 stars; one submission).

gnomAD v4.1: 1 of 1,613,870 alleles (0.000062%); highest among the groups gnomAD compares: Non-Finnish European, 0.000085%; no homozygotes.

Submission:

Biesecker Lab/Clinical Genomics Section, National Institutes of Health
Classification: Uncertain significance. Last evaluated: 2013-06-24. Review status: criteria provided, single submitter. Criteria: Ng et al. (Circ Cardiovasc Genet. 2013). Collection method: research. Allele origin: unknown. Observed: 1 variant allele. Study: ClinSeq.
Comment: The study set was not selected for affection status in relation to any cancer. Pathogenicity categories were based on literature curation. See Pubmed ID:23861362 for details.

Medical sequencing